The following is an entry in ClinVar:

NM_182641.4(BPTF):c.5797A>G (p.Thr1933Ala)

Gene: BPTF (bromodomain PHD finger transcription factor; plus strand). Cytogenetic location: 17q24.2.
Variant type: single nucleotide variant.
Coding change: c.5797A>G on transcript NM_182641.4 (MANE Select); coding-DNA position 5797, A replaced by G.
Protein change: p.Thr1933Ala; replaces threonine 1933 with alanine.
Molecular consequence: missense variant.
Genome position (GRCh38, 1-based): chr17:67,928,400, A>G. VCF-style: chr17-67928400-A-G. GRCh37 (hg19) VCF-style: chr17-65924516-A-G.
Other names: c.5986A>G, p.Thr1996Ala (NM_001439139.1, NM_001439141.1, NM_001439143.1 and 1 more transcripts); c.6175A>G, p.Thr2059Ala (NM_001439140.1, NM_001439142.1, NM_004459.7); short protein forms T1933A, T1996A, T2059A.
Identifiers: ClinVar variation 4883441 (VCV004883441.2).

ClinVar aggregate classification (germline): Uncertain significance (1 of 4 stars; one submission).

gnomAD v4.1: 9 of 1,613,728 alleles (0.00056%); highest among the groups gnomAD compares: Admixed American, 0.0033%; no homozygotes.

Submission:

Dasa
Classification: Uncertain significance. Last evaluated: 2026-01-11. Review status: criteria provided, single submitter. Criteria: DASA Assertion Criteria. Collection method: clinical testing. Allele origin: germline.
Comment: NM_182641.4(BPTF):c.5797A>G (p.Thr1933Ala) is a missense variant that results in the substitution of threonine with alanine. This variant is rare in population databases. Computational prediction algorithms are consistent with a benign effect. The currently available literature and clinical evidence are not sufficient to establish a definitive association between this variant and the reported condition. Therefore, this variant is classified as a variant of uncertain significance.